The following is an entry in ClinVar:

ClinVar aggregate classification (germline): Uncertain significance. Review status: criteria provided, multiple submitters, no conflicts (2 of 4 stars). 2 submissions from 2 submitters: Uncertain significance (2). Last evaluated 2025-08-29.

Allele frequency attached by ClinVar (database versions not stated): 1000 Genomes Project 0.00120; 1000 Genomes Project 30x 0.00141; gnomAD exomes 0.00007 and 0.00012; ExAC 0.00014; ESP Exome Variant Server 0.00023; TOPMed 0.00038; gnomAD 0.00056 and 0.00057.
gnomAD v4.1: 192 of 1,613,060 alleles (0.012%); highest among the groups gnomAD compares: African/African-American, 0.19%; no homozygotes.

Submissions (2):

Labcorp Genetics (formerly Invitae), Labcorp
Classification: Uncertain significance. Last evaluated: 2025-08-29. Review status: criteria provided, single submitter. Criteria: Invitae Variant Classification Sherloc (09022015). Collection method: clinical testing. Allele origin: germline.
Comment: This sequence change replaces alanine, which is neutral and non-polar, with valine, which is neutral and non-polar, at codon 221 of the MMP13 protein (p.Ala221Val). This variant is present in population databases (rs147544761, gnomAD 0.2%). This variant has not been reported in the literature in individuals affected with MMP13-related conditions. ClinVar contains an entry for this variant (Variation ID: 1505246). Invitae Evidence Modeling of protein sequence and biophysical properties (such as structural, functional, and spatial information, amino acid conservation, physicochemical variation, residue mobility, and thermodynamic stability) indicates that this missense variant is not expected to disrupt MMP13 protein function with a negative predictive value of 80%. In summary, the available evidence is currently insufficient to determine the role of this variant in disease. Therefore, it has been classified as a Variant of Uncertain Significance.

GeneDx
Classification: Uncertain significance. Last evaluated: 2024-09-27. Review status: criteria provided, single submitter. Criteria: GeneDx Variant Classification Process June 2021. Collection method: clinical testing. Allele origin: germline. Affected: yes.
Comment: In silico analysis supports that this missense variant has a deleterious effect on protein structure/function; Has not been previously published as pathogenic or benign to our knowledge

NM_002427.4(MMP13):c.662C>T (p.Ala221Val)

Gene: MMP13 (matrix metallopeptidase 13; minus strand). Cytogenetic location: 11q22.2.
Variant type: single nucleotide variant.
Coding change: c.662C>T on transcript NM_002427.4 (MANE Select); coding-DNA position 662, C replaced by T.
Protein change: p.Ala221Val; replaces alanine 221 with valine.
Molecular consequence: missense variant.
Genome position (GRCh38, 1-based): chr11:102,952,149, G>A on the plus strand (C>T on the coding strand, the complement: MMP13 is on the minus strand). VCF-style: chr11-102952149-G-A. GRCh37 (hg19) VCF-style: chr11-102822878-G-A.
Other names: c.662C>T (NM_002427.3); short protein forms A221V.
Identifiers: ClinVar variation 1505246 (VCV001505246.7), dbSNP rs147544761, ClinGen allele CA6251924.